The following is an entry in ClinVar:

ClinVar aggregate classification (germline): Likely benign. Review status: criteria provided, multiple submitters, no conflicts (2 of 4 stars). 3 submissions from 3 submitters: Likely benign (3). Last evaluated 2026-02-04.

Conditions:
Glycogen storage disease IV, classic hepatic. Also called: GSD IV, CLASSIC HEPATIC. Identifiers: MedGen C1856301.
Glycogen storage disease, type IV (GSD4). Also called: AMYLOPECTINOSIS; ANDERSEN DISEASE; BRANCHER DEFICIENCY; CIRRHOSIS, FAMILIAL, WITH DEPOSITION OF ABNORMAL GLYCOGEN; Glycogen storage disease due to glycogen branching enzyme deficiency; GBE1 DEFICIENCY. Identifiers: Orphanet 367, MedGen C0017923, MONDO:0009292, OMIM 232500.

Allele frequency attached by ClinVar (database versions not stated): gnomAD exomes below 0.00001; gnomAD 0.00001; TOPMed 0.00002.
gnomAD v4.1: 30 of 1,378,324 alleles (0.0022%); highest among the groups gnomAD compares: Non-Finnish European, 0.0029%; no homozygotes.

Submissions (3):

Labcorp Genetics (formerly Invitae), Labcorp
Classification: Likely benign for Glycogen storage disease, type IV; Glycogen storage disease IV, classic hepatic. Last evaluated: 2026-02-04. Review status: criteria provided, single submitter. Criteria: Invitae Variant Classification Sherloc (09022015). Collection method: clinical testing. Allele origin: germline.

Blueprint Genetics
Classification: Likely benign. Last evaluated: 2019-06-04. Review status: criteria provided, single submitter. Criteria: ACMG Guidelines, 2015. Collection method: clinical testing. Allele origin: germline.

GeneDx
Classification: Likely benign. Last evaluated: 2017-06-13. Review status: criteria provided, single submitter. Criteria: GeneDx Variant Classification (06012015). Collection method: clinical testing. Allele origin: germline. Affected: yes.
Comment: This variant is considered likely benign or benign based on one or more of the following criteria: it is a conservative change, it occurs at a poorly conserved position in the protein, it is predicted to be benign by multiple in silico algorithms, and/or has population frequency not consistent with disease.

NM_000158.4(GBE1):c.1446+18T>C

Gene: GBE1 (1,4-alpha-glucan branching enzyme 1; minus strand). Cytogenetic location: 3p12.2.
Variant type: single nucleotide variant.
Coding change: c.1446+18T>C on transcript NM_000158.4 (MANE Select); 18 bases into the intron after coding-DNA position 1446, T replaced by C.
Molecular consequence: intron variant.
Genome position (GRCh38, 1-based): chr3:81,581,147, A>G on the plus strand (T>C on the coding strand, the complement: GBE1 is on the minus strand). VCF-style: chr3-81581147-A-G. GRCh37 (hg19) VCF-style: chr3-81630298-A-G.
Identifiers: ClinVar variation 509864 (VCV000509864.9), dbSNP rs1013562114, ClinGen allele CA78285156.